The following is an entry in ClinVar:

GRCh37/hg19 1q22(chr1:155239448-155451057)x1

Genes: ASH1L (ASH1 like histone lysine methyltransferase; minus strand), CLK2 (CDC like kinase 2; minus strand), FDPS (farnesyl diphosphate synthase; plus strand), HCN3 (hyperpolarization activated cyclic nucleotide gated potassium channel 3; plus strand), PKLR (pyruvate kinase L/R; minus strand) and 2 more. Cytogenetic location: 1q22.
Variant type: copy number loss.
Change: copy number 1 (one copy instead of two) of chr1:155,239,448-155,451,057 (211.6 kb, GRCh37 coordinates, 1-based), cytogenetic band 1q22.
Identifiers: ClinVar variation 4682500 (VCV004682500.1).

ClinVar aggregate classification (germline): Pathogenic (1 of 4 stars; one submission).

Submission:

Quest Diagnostics Nichols Institute San Juan Capistrano
Classification: Pathogenic. Last evaluated: 2024-11-18. Review status: criteria provided, single submitter. Criteria: ACMG/ClinGen CNV Guidelines, 2019. Collection method: clinical testing. Allele origin: unknown.
Comment: This deletion involves at least six protein-coding genes. Haploinsufficiency of ASH1L is associated with autosomal dominant complex neurodevelopmental disorder (OMIM 617796; CCID:006697; Faundes 2018, Xi 2020). Based on current medical literature and gene content, this copy number variant (CNV) is classified as pathogenic. References: Faundes et al., Am J Hum Genet. 2018 Jan 4;102(1):175-187. PMID: 29276005 Xi et al., Mol Cytogenet. 2020 Jun 4:13:20. PMID: 32518592 Zhang et al., Elife. 2015 Jul 23:4:e06322. PMID: 26202976